The following is an entry in ClinVar:

NM_000179.3(MSH6):c.3677C>T (p.Ala1226Val)

Gene: MSH6 (mutS homolog 6; plus strand). Cytogenetic location: 2p16.3.
Variant type: single nucleotide variant.
Coding change: c.3677C>T on transcript NM_000179.3 (MANE Select); coding-DNA position 3677, C replaced by T.
Protein change: p.Ala1226Val; replaces alanine 1226 with valine.
Molecular consequence: missense variant. On other transcripts: non-coding transcript variant (5).
Genome position (GRCh38, 1-based): chr2:47,806,234, C>T. VCF-style: chr2-47806234-C-T. GRCh37 (hg19) VCF-style: chr2-48033373-C-T.
Other names: c.3287C>T, p.Ala1096Val (NM_001281492.2); c.2771C>T, p.Ala924Val (NM_001281493.2, NM_001281494.2, NM_001406811.1 and 6 more transcripts); c.3773C>T, p.Ala1258Val (NM_001406795.1, NM_001406802.1); c.3677C>T, p.Ala1226Val (NM_001406796.1, NM_001406800.1, NM_001406808.1 and 1 more transcripts); c.3380C>T, p.Ala1127Val (NM_001406797.1, NM_001406801.1, NM_001406805.1 and 10 more transcripts); c.3503C>T, p.Ala1168Val (NM_001406798.1); c.3152C>T, p.Ala1051Val (NM_001406799.1, NM_001406806.1, NM_001406807.1); c.2813C>T, p.Ala938Val (NM_001406803.1); and 7 more; short protein forms A1170V, A175V, A1051V, A1200V, A1096V, A1127V, A1168V, A1226V.
Identifiers: ClinVar variation 3913765 (VCV003913765.1).

ClinVar aggregate classification (germline): Uncertain significance (1 of 4 stars; one submission).

Conditions:
Hereditary cancer-predisposing syndrome. Also called: Hereditary Cancer Syndrome; Hereditary neoplastic syndrome; Neoplastic Syndromes, Hereditary; Tumor predisposition. Identifiers: Orphanet 140162, MedGen C0027672, MeSH D009386, MONDO:0015356.

Submission:

Ambry Genetics
Classification: Uncertain significance for Hereditary cancer-predisposing syndrome. Last evaluated: 2025-05-19. Review status: criteria provided, single submitter. Criteria: Ambry Variant Classification Scheme 2023. Collection method: clinical testing. Allele origin: germline.
Comment: The p.A1226V variant (also known as c.3677C>T), located in coding exon 8 of the MSH6 gene, results from a C to T substitution at nucleotide position 3677. The alanine at codon 1226 is replaced by valine, an amino acid with similar properties. This amino acid position is conserved. In addition, this alteration is predicted to be deleterious by in silico analysis. Based on the available evidence, the clinical significance of this variant remains unclear.